The following is an entry in ClinVar:

ClinVar aggregate classification (germline): Uncertain significance (1 of 4 stars; one submission).

Submission:

GeneDx
Classification: Uncertain significance. Last evaluated: 2023-06-20. Review status: criteria provided, single submitter. Criteria: GeneDx Variant Classification Process June 2021. Collection method: clinical testing. Allele origin: germline. Affected: yes.
Comment: Not observed at significant frequency in large population cohorts (gnomAD); In silico analysis supports that this missense variant has a deleterious effect on protein structure/function; In silico analysis suggests this variant may impact gene splicing. In the absence of RNA/functional studies, the actual effect of this sequence change is unknown.; Has not been previously published as pathogenic or benign to our knowledge; Reported using an alternate transcript of the gene

NM_022970.4(FGFR2):c.947G>A (p.Gly316Glu)

Gene: FGFR2 (fibroblast growth factor receptor 2; minus strand). Cytogenetic location: 10q26.13.
Variant type: single nucleotide variant.
Coding change: c.947G>A on transcript NM_022970.4 (MANE Plus Clinical); coding-DNA position 947, G replaced by A.
Protein change: p.Gly316Glu; replaces glycine 316 with glutamic acid.
Molecular consequence: missense variant. On other transcripts: non-coding transcript variant (1), intron variant (12).
Genome position (GRCh38, 1-based): chr10:121,518,822, C>T on the plus strand (G>A on the coding strand, the complement: FGFR2 is on the minus strand). VCF-style: chr10-121518822-C-T. GRCh37 (hg19) VCF-style: chr10-123278336-C-T.
Other names: c.947G>A, p.Gly316Glu (NM_001144913.1, NM_001441087.1); c.680G>A, p.Gly227Glu (NM_001144919.2, NM_001441088.1); c.749-3503G>A (NM_001144914.1); c.594+1157G>A (NM_001144918.2, NM_001441091.1, NM_001441090.1 and 1 more transcripts); c.672+1157G>A (NM_001441089.1, NM_023029.3, NM_001144915.2); c.939+1157G>A (NM_001144917.2, NM_001320658.2, NM_000141.5); c.255+1157G>A (NM_001320654.2); short protein forms G227E, G316E.
Identifiers: ClinVar variation 3360126 (VCV003360126.1).